The following is an entry in ClinVar:

NM_000203.5(IDUA):c.718C>G (p.His240Asp)

Gene: IDUA (alpha-L-iduronidase; plus strand). Cytogenetic location: 4p16.3.
Variant type: single nucleotide variant.
Coding change: c.718C>G on transcript NM_000203.5 (MANE Select); coding-DNA position 718, C replaced by G.
Protein change: p.His240Asp; replaces histidine 240 with aspartic acid.
Molecular consequence: missense variant. On other transcripts: non-coding transcript variant (1).
Genome position (GRCh38, 1-based): chr4:1,001,807, C>G. VCF-style: chr4-1001807-C-G. GRCh37 (hg19) VCF-style: chr4-995595-C-G.
Other names: c.322C>G, p.His108Asp (NM_001363576.1); c.718C>G (NM_000203.4); short protein forms H108D, H240D.
Identifiers: ClinVar variation 2654540 (VCV002654540.25), dbSNP rs1374359136, ClinGen allele CA355962125.

ClinVar aggregate classification (germline): Conflicting classifications of pathogenicity. Review status: criteria provided, conflicting classifications (1 of 4 stars). 2 submissions from 2 submitters: Likely pathogenic (1); Uncertain significance (1). Last evaluated 2025-01-29.

Conditions:
Mucopolysaccharidosis type 1. Also called: IDUA deficiency; MPS I; Mucopolysaccharidosis Type I. Identifiers: Orphanet 579, MedGen C0023786, MONDO:0001586.

Submissions (2):

Natera, Inc.
Classification: Likely pathogenic for Mucopolysaccharidosis type I. Last evaluated: 2025-01-29. Review status: criteria provided, single submitter. Criteria: Natera Variant Classification Schema (03/2026). Collection method: clinical testing. Allele origin: germline.
Comment: The c.718C>G variant in IDUA is a missense variant predicted to cause substitution of histidine to aspartic acid at amino acid 240. This variant is rare in the general population with a frequency below the threshold expected for the associated phenotype(s). This variant has been observed in one or more individuals affected with the associated recessive disease, as either homozygous or compound heterozygous with a second variant (PMID: 24875751). This variant has been identified in one or more affected individuals with a phenotype highly consistent with the associated gene (PMID: 24875751). A different variant at the same position has been determined to be Pathogenic or Likely Pathogenic. Computational prediction algorithms indicate this variant is likely to affect gene or protein function. Given the available evidence, this variant is classified as Likely Pathogenic.

CeGaT Center for Human Genetics Tuebingen
Classification: Uncertain significance. Last evaluated: 2023-02-01. Review status: criteria provided, single submitter. Criteria: CeGaT Center For Human Genetics Tuebingen Variant Classification Criteria Version 2. Collection method: clinical testing. Allele origin: germline. Affected: yes. Observed: 1 variant allele.
Comment: IDUA: PM2, PM3

Literature cited by the submitters: PubMed 24875751 (cited by Natera, Inc.).